The following is an entry in ClinVar:

NM_201384.3(PLEC):c.7992G>A (p.Leu2664=)

Gene: PLEC (plectin; minus strand). Cytogenetic location: 8q24.3.
Variant type: single nucleotide variant.
Coding change: c.7992G>A on transcript NM_201384.3 (MANE Select); coding-DNA position 7992, G replaced by A.
Protein change: p.Leu2664=; no amino-acid change (leucine 2664 retained).
Molecular consequence: synonymous variant.
Genome position (GRCh38, 1-based): chr8:143,921,829, C>T on the plus strand (G>A on the coding strand, the complement: PLEC is on the minus strand). VCF-style: chr8-143921829-C-T. GRCh37 (hg19) VCF-style: chr8-144995997-C-T.
Other names: p.Leu2691=; c.8073G>A, p.Leu2691= (NM_000445.5); c.7950G>A, p.Leu2650= (NM_201378.4); c.7926G>A, p.Leu2642= (NM_201379.3); c.8403G>A, p.Leu2801= (NM_201380.4); c.7896G>A, p.Leu2632= (NM_201381.3); c.7992G>A, p.Leu2664= (NM_201382.4); c.8004G>A, p.Leu2668= (NM_201383.3).
Identifiers: ClinVar variation 706967 (VCV000706967.13), dbSNP rs202097976, ClinGen allele CA4925459.

ClinVar aggregate classification (germline): Likely benign. Review status: criteria provided, multiple submitters, no conflicts (2 of 4 stars). 3 submissions from 3 submitters: Likely benign (2). 1 of the submissions does not count toward it. Last evaluated 2025-12-10.

Conditions:
PLEC-related disorder. Also called: PLEC-related condition; PLEC-related disorders.
Epidermolysis bullosa simplex 5C, with pyloric atresia (EBS5C). Also called: PLEC-Related Epidermolysis Bullosa with Pyloric Atresia; Epidermolysis bullosa simplex with pyloric atresia; PLEC1-Related Epidermolysis Bullosa with Pyloric Atresia. Identifiers: Orphanet 158684, MedGen C2677349, MONDO:0012807, OMIM 612138.
Autosomal recessive limb-girdle muscular dystrophy type 2Q (LGMDR17). Also called: MUSCULAR DYSTROPHY, LIMB-GIRDLE, AUTOSOMAL RECESSIVE 17. Identifiers: Orphanet 254361, MedGen C3150989, MONDO:0013390, OMIM 613723.
Epidermolysis bullosa simplex with nail dystrophy (EBS5D). Identifiers: MedGen C4225309, MONDO:0014661, OMIM 616487.
Epidermolysis bullosa simplex 5B, with muscular dystrophy (EBS5B). Also called: EPIDERMOLYSIS BULLOSA SIMPLEX AND LIMB-GIRDLE MUSCULAR DYSTROPHY; Epidermolysis bullosa simplex with muscular dystrophy. Identifiers: Orphanet 257, MedGen C2931072, MONDO:0009181, OMIM 226670.
Epidermolysis bullosa simplex, Ogna type (EBS5A). Also called: Pidermolysis bullosa simplex 5A, Ogna type; EPIDERMOLYSIS BULLOSA SIMPLEX 5A, OGNA TYPE. Identifiers: Orphanet 79401, MedGen C0432317, MONDO:0007555, OMIM 131950.

Allele frequency attached by ClinVar (database versions not stated): 1000 Genomes Project 30x 0.00031; TOPMed 0.00038; ESP Exome Variant Server 0.00039; gnomAD 0.00039 and 0.00041; 1000 Genomes Project 0.00040; gnomAD exomes 0.00008; ExAC 0.00012.
gnomAD v4.1: 113 of 1,607,126 alleles (0.007%); highest among the groups gnomAD compares: African/African-American, 0.15%; no homozygotes.

Submissions (3):

Labcorp Genetics (formerly Invitae), Labcorp
Classification: Likely benign for Autosomal recessive limb-girdle muscular dystrophy type 2Q; Epidermolysis bullosa simplex, Ogna type; Epidermolysis bullosa simplex with nail dystrophy; Epidermolysis bullosa simplex 5C, with pyloric atresia; Epidermolysis bullosa simplex 5B, with muscular dystrophy. Last evaluated: 2025-12-10. Review status: criteria provided, single submitter. Criteria: Invitae Variant Classification Sherloc (09022015). Collection method: clinical testing. Allele origin: germline.

Mayo Clinic Laboratories, Mayo Clinic
Classification: Likely benign. Last evaluated: 2025-05-23. Review status: criteria provided, single submitter. Criteria: ACMG Guidelines, 2015. Collection method: clinical testing. Allele origin: germline. Observed: 1 variant allele.
Comment: BS1, BP4, BP7

PreventionGenetics, part of Exact Sciences
Classification: Likely benign for PLEC-related condition. Last evaluated: 2019-02-28. Review status: no assertion criteria provided. Collection method: clinical testing. Allele origin: germline. Not counted in ClinVar's aggregate classification.
Comment: This variant is classified as likely benign based on ACMG/AMP sequence variant interpretation guidelines (Richards et al. 2015 PMID: 25741868, with internal and published modifications).